The following is an entry in ClinVar:

NM_000051.4(ATM):c.1899-123A>G

Gene: ATM (ATM serine/threonine kinase; plus strand). Cytogenetic location: 11q22.3.
Variant type: single nucleotide variant.
Coding change: c.1899-123A>G on transcript NM_000051.4 (MANE Select); 123 bases into the intron before coding-DNA position 1899, A replaced by G.
Molecular consequence: intron variant.
Genome position (GRCh38, 1-based): chr11:108,253,691, A>G. VCF-style: chr11-108253691-A-G. GRCh37 (hg19) VCF-style: chr11-108124418-A-G.
Other names: c.1899-123A>G (NM_001351834.2).
Identifiers: ClinVar variation 1486666 (VCV001486666.5), dbSNP rs55744559, ClinGen allele CA228393249.

ClinVar aggregate classification (germline): Uncertain significance (1 of 4 stars; one submission).

Conditions:
Ataxia-telangiectasia syndrome (AT). Also called: LOUIS-BAR SYNDROME; Ataxia-telangiectasia; Cerebello-oculocutaneous telangiectasia; Immunodeficiency with ataxia telangiectasia; ATAXIA-TELANGIECTASIA, COMPLEMENTATION GROUP A; ATAXIA-TELANGIECTASIA, FRESNO VARIANT. Identifiers: Orphanet 100, MedGen C0004135, MONDO:0008840, OMIM 208900.

Allele frequency attached by ClinVar (database versions not stated): gnomAD 0.00006 and 0.00011; TOPMed 0.00006; gnomAD exomes 0.00029; 1000 Genomes Project 0.00040; 1000 Genomes Project 30x 0.00062.
gnomAD v4.1: 155 of 630,974 alleles (0.025%); highest among the groups gnomAD compares: Middle Eastern, 0.17%; 1 homozygote.

Submission:

Labcorp Genetics (formerly Invitae), Labcorp
Classification: Uncertain significance for Ataxia-telangiectasia syndrome. Last evaluated: 2026-02-04. Review status: criteria provided, single submitter. Criteria: Invitae Variant Classification Sherloc (09022015). Collection method: clinical testing. Allele origin: germline.
Comment: This sequence change falls in intron 12 of the ATM gene. It does not directly change the encoded amino acid sequence of the ATM protein. RNA analysis indicates that this variant induces altered splicing and may result in an absent or altered protein product. This variant is present in population databases (rs55744559, gnomAD 0.01%). This variant has not been reported in the literature in individuals affected with ATM-related conditions. ClinVar contains an entry for this variant (Variation ID: 1486666). Studies have shown that this variant results in a cryptic exon inclusion between exon 12 and exon 13, and produces a non-functional protein and/or introduces a premature termination codon (internal data). In summary, the available evidence is currently insufficient to determine the role of this variant in disease. Therefore, it has been classified as a Variant of Uncertain Significance.